The following is an entry in ClinVar:

NM_002439.5(MSH3):c.2819G>T (p.Gly940Val)

Gene: MSH3 (mutS homolog 3; plus strand). Cytogenetic location: 5q14.1.
Variant type: single nucleotide variant.
Coding change: c.2819G>T on transcript NM_002439.5 (MANE Select); coding-DNA position 2819, G replaced by T.
Protein change: p.Gly940Val; replaces glycine 940 with valine.
Molecular consequence: missense variant.
Genome position (GRCh38, 1-based): chr5:80,854,135, G>T. VCF-style: chr5-80854135-G-T. GRCh37 (hg19) VCF-style: chr5-80149954-G-T.
Other names: short protein forms G940V.
Identifiers: ClinVar variation 4654918 (VCV004654918.1).
Genomic context (GRCh38, chr5:80,854,135, plus strand): 5'-GCTTCCTAATAAGAAAGTGAAGAGGAAAATCAAGGTGTTTTCATCTTGCTTGTAGGATGG[G>T]TGCTGCAGACAATATATATAAAGGACAGAGTACATTTATGGAAGAACTGACTGACACAGC-3'
Protein context (NP_002430.3, residues 930-950): GIVDGIFTRM[Gly940Val]AADNIYKGQS

ClinVar aggregate classification (germline): Uncertain significance (1 of 4 stars; one submission).

Conditions:
Hereditary cancer-predisposing syndrome. Also called: Neoplastic Syndromes, Hereditary; Tumor predisposition; Hereditary Cancer Syndrome; Hereditary neoplastic syndrome. Identifiers: Orphanet 140162, MedGen C0027672, MeSH D009386, MONDO:0015356.

Submission:

Ambry Genetics
Classification: Uncertain significance for Hereditary cancer-predisposing syndrome. Last evaluated: 2025-11-25. Review status: criteria provided, single submitter. Criteria: Ambry Variant Classification Scheme 2023. Collection method: clinical testing. Allele origin: germline.
Comment: The p.G940V variant (also known as c.2819G>T), located in coding exon 21 of the MSH3 gene, results from a G to T substitution at nucleotide position 2819. The glycine at codon 940 is replaced by valine, an amino acid with dissimilar properties. This amino acid position is conserved. In addition, this alteration is predicted to be deleterious by in silico analysis. Based on the available evidence, the clinical significance of this variant remains unclear.